The following is an entry in ClinVar:

ClinVar aggregate classification (germline): Uncertain significance (1 of 4 stars; one submission).

gnomAD v4.1: 1 of 1,584,278 alleles (0.000063%); highest among the groups gnomAD compares: Non-Finnish European, 0.000085%; no homozygotes.

Submission:

Ambry Genetics
Classification: Uncertain significance. Last evaluated: 2024-12-14. Review status: criteria provided, single submitter. Criteria: Ambry Variant Classification Scheme 2023. Collection method: clinical testing. Allele origin: germline.
Comment: The p.S273L variant (also known as c.818C>T), located in coding exon 8 of the SLMAP gene, results from a C to T substitution at nucleotide position 818. The serine at codon 273 is replaced by leucine, an amino acid with dissimilar properties. This amino acid position is conserved. In addition, this alteration is predicted to be tolerated by in silico analysis. Based on the available evidence, the clinical significance of this variant remains unclear.

NM_001377540.1(SLMAP):c.818C>T (p.Ser273Leu)

Gene: SLMAP (sarcolemma associated protein; plus strand). Cytogenetic location: 3p14.3.
Variant type: single nucleotide variant.
Coding change: c.818C>T on transcript NM_001377540.1 (MANE Select); coding-DNA position 818, C replaced by T.
Protein change: p.Ser273Leu; replaces serine 273 with leucine.
Molecular consequence: missense variant. On other transcripts: non-coding transcript variant (1).
Genome position (GRCh38, 1-based): chr3:57,860,829, C>T. VCF-style: chr3-57860829-C-T. GRCh37 (hg19) VCF-style: chr3-57846556-C-T.
Other names: c.818C>T, p.Ser273Leu (NM_001304420.3, NM_001304421.2, NM_001377538.1 and 17 more transcripts); short protein forms S273L.
Identifiers: ClinVar variation 3798745 (VCV003798745.1).